The following is an entry in ClinVar:

ClinVar aggregate classification (germline): Uncertain significance (1 of 4 stars; one submission).

Conditions:
Spastic paraplegia. Identifiers: MedGen C0037772, HP:0001258.

Submission:

Labcorp Genetics (formerly Invitae), Labcorp
Classification: Uncertain significance for Spastic paraplegia. Last evaluated: 2025-08-29. Review status: criteria provided, single submitter. Criteria: Invitae Variant Classification Sherloc (09022015). Collection method: clinical testing. Allele origin: germline.
Comment: This sequence change replaces glutamine, which is neutral and polar, with proline, which is neutral and non-polar, at codon 612 of the KIF5A protein (p.Gln612Pro). This variant is not present in population databases (gnomAD no frequency). This variant has not been reported in the literature in individuals affected with KIF5A-related conditions. Invitae Evidence Modeling of protein sequence and biophysical properties (such as structural, functional, and spatial information, amino acid conservation, physicochemical variation, residue mobility, and thermodynamic stability) has been performed for this missense variant. However, the output from this modeling did not meet the statistical confidence thresholds required to predict the impact of this variant on KIF5A protein function. In summary, the available evidence is currently insufficient to determine the role of this variant in disease. Therefore, it has been classified as a Variant of Uncertain Significance.

NM_004984.4(KIF5A):c.1835A>C (p.Gln612Pro)

Gene: KIF5A (kinesin family member 5A; plus strand). Cytogenetic location: 12q13.3.
Variant type: single nucleotide variant.
Coding change: c.1835A>C on transcript NM_004984.4 (MANE Select); coding-DNA position 1835, A replaced by C.
Protein change: p.Gln612Pro; replaces glutamine 612 with proline.
Molecular consequence: missense variant.
Genome position (GRCh38, 1-based): chr12:57,575,202, A>C. VCF-style: chr12-57575202-A-C. GRCh37 (hg19) VCF-style: chr12-57968985-A-C.
Other names: c.1568A>C, p.Gln523Pro (NM_001354705.2); short protein forms Q523P, Q612P.
Identifiers: ClinVar variation 4803046 (VCV004803046.1).